The following is an entry in ClinVar:

NM_015335.5(MED13L):c.3935-1G>A

Gene: MED13L (mediator complex subunit 13L; minus strand). Cytogenetic location: 12q24.21.
Variant type: single nucleotide variant.
Coding change: c.3935-1G>A on transcript NM_015335.5 (MANE Select); the canonical splice acceptor site of the intron before coding-DNA position 3935, G replaced by A.
Molecular consequence: splice acceptor variant.
Genome position (GRCh38, 1-based): chr12:115,987,289, C>T on the plus strand (G>A on the coding strand, the complement: MED13L is on the minus strand). VCF-style: chr12-115987289-C-T. GRCh37 (hg19) VCF-style: chr12-116425094-C-T.
Identifiers: ClinVar variation 578927 (VCV000578927.9), dbSNP rs1565995146, ClinGen allele CA386885551.

ClinVar aggregate classification (germline): Likely pathogenic (1 of 4 stars; one submission).

Conditions:
Dextro-looped transposition of the great arteries. Also called: Dextrotransposition of the great arteries. Identifiers: Orphanet 860, MedGen C3531771, MONDO:0019443, OMIM 608808, HP:0031348.

Submission:

Labcorp Genetics (formerly Invitae), Labcorp
Classification: Likely pathogenic for Dextro-looped transposition of the great arteries. Last evaluated: 2019-06-28. Review status: criteria provided, single submitter. Criteria: Invitae Variant Classification Sherloc (09022015). Collection method: clinical testing. Allele origin: germline.
Comment: In summary, the currently available evidence indicates that the variant is pathogenic, but additional data are needed to prove that conclusively. Therefore, this variant has been classified as Likely Pathogenic. Donor and acceptor splice site variants typically lead to a loss of protein function (PMID: 16199547), and loss-of-function variants in MED13L are known to be pathogenic (PMID: 23403903). This variant has not been reported in the literature in individuals with MED13L-related disease. ClinVar contains an entry for this variant (Variation ID: 578927). This variant is not present in population databases (ExAC no frequency). This sequence change affects an acceptor splice site in intron 17 of the MED13L gene. It is expected to disrupt RNA splicing and likely results in an absent or disrupted protein product.

Literature cited by the submitters: PubMed 16199547; PubMed 23403903.